The following is an entry in ClinVar:

NM_001297595.2(SIN3B):c.1941C>T (p.Ile647=)

Gene: SIN3B (SIN3 transcription regulator family member B; plus strand). Cytogenetic location: 19p13.11.
Variant type: single nucleotide variant.
Coding change: c.1941C>T on transcript NM_001297595.2 (MANE Select); coding-DNA position 1941, C replaced by T.
Protein change: p.Ile647=; no amino-acid change (isoleucine 647 retained).
Molecular consequence: synonymous variant.
Genome position (GRCh38, 1-based): chr19:16,869,594, C>T. VCF-style: chr19-16869594-C-T. GRCh37 (hg19) VCF-style: chr19-16980405-C-T.
Other names: c.711C>T, p.Ile237= (NM_001297597.2); c.2037C>T, p.Ile679= (NM_015260.4).
Identifiers: ClinVar variation 2649521 (VCV002649521.24), dbSNP rs151138680, ClinGen allele CA9283348.

ClinVar aggregate classification (germline): Likely benign (1 of 4 stars; one submission).

Allele frequency attached by ClinVar (database versions not stated): gnomAD 0.00006; TOPMed 0.00007; ESP Exome Variant Server 0.00008; ExAC 0.00010; gnomAD exomes 0.00010.

Submission:

CeGaT Center for Human Genetics Tuebingen
Classification: Likely benign. Last evaluated: 2022-11-01. Review status: criteria provided, single submitter. Criteria: CeGaT Center For Human Genetics Tuebingen Variant Classification Criteria Version 2. Collection method: clinical testing. Allele origin: germline. Affected: yes. Observed: 1 variant allele.
Comment: SIN3B: BP4, BP7